The following is an entry in ClinVar:

ClinVar aggregate classification (germline): Uncertain significance. Review status: criteria provided, multiple submitters, no conflicts (2 of 4 stars). 2 submissions from 2 submitters: Uncertain significance (2). Last evaluated 2025-07-23.

Conditions:
Hereditary cancer-predisposing syndrome. Also called: Tumor predisposition; Hereditary neoplastic syndrome; Hereditary Cancer Syndrome; Neoplastic Syndromes, Hereditary. Identifiers: Orphanet 140162, MedGen C0027672, MeSH D009386, MONDO:0015356.

Allele frequency attached by ClinVar (database versions not stated): gnomAD exomes below 0.00001.
gnomAD v4.1: 2 of 1,613,882 alleles (0.00012%); highest among the groups gnomAD compares: South Asian, 0.0022%; no homozygotes.

Submissions (2):

Ambry Genetics
Classification: Uncertain significance for Hereditary cancer-predisposing syndrome. Last evaluated: 2025-07-23. Review status: criteria provided, single submitter. Criteria: Ambry Variant Classification Scheme 2023. Collection method: clinical testing. Allele origin: germline.
Comment: The c.4728+4A>T intronic variant results from an A to T substitution 4 nucleotides after coding exon 36 in the POLE gene. This nucleotide position is well conserved in available vertebrate species. In silico splice site analysis predicts that this alteration will result in the creation or strengthening of a novel splice donor site. Based on the available evidence, the clinical significance of this variant remains unclear.

Labcorp Genetics (formerly Invitae), Labcorp
Classification: Uncertain significance. Last evaluated: 2020-11-25. Review status: criteria provided, single submitter. Criteria: Invitae Variant Classification Sherloc (09022015). Collection method: clinical testing. Allele origin: germline.
Comment: In summary, the available evidence is currently insufficient to determine the role of this variant in disease. Therefore, it has been classified as a Variant of Uncertain Significance. Nucleotide substitutions within the consensus splice site are a relatively common cause of aberrant splicing (PMID: 17576681, 9536098). Algorithms developed to predict the effect of sequence changes on RNA splicing suggest that this variant may disrupt the consensus splice site, but this prediction has not been confirmed by published transcriptional studies. This variant has not been reported in the literature in individuals with POLE-related conditions. This variant is not present in population databases (ExAC no frequency). This sequence change falls in intron 36 of the POLE gene. It does not directly change the encoded amino acid sequence of the POLE protein, but it affects a nucleotide within the consensus splice site of the intron.

Literature cited by the submitters: PubMed 17576681 (cited by Labcorp Genetics (formerly Invitae), Labcorp); PubMed 9536098 (cited by Labcorp Genetics (formerly Invitae), Labcorp).

NM_006231.4(POLE):c.4728+4A>T

Gene: POLE (DNA polymerase epsilon, catalytic subunit; minus strand). Cytogenetic location: 12q24.33.
Variant type: single nucleotide variant.
Coding change: c.4728+4A>T on transcript NM_006231.4 (MANE Select); 4 bases into the intron after coding-DNA position 4728, A replaced by T.
Molecular consequence: intron variant.
Genome position (GRCh38, 1-based): chr12:132,642,816, T>A on the plus strand (A>T on the coding strand, the complement: POLE is on the minus strand). VCF-style: chr12-132642816-T-A. GRCh37 (hg19) VCF-style: chr12-133219402-T-A.
Other names: c.4728+4A>T (NM_006231.2).
Identifiers: ClinVar variation 938742 (VCV000938742.8), dbSNP rs1487023544, ClinGen allele CA608513893.
Genomic context (GRCh38, chr12:132,642,816, plus strand): 5'-GACCTGGGTGGACCCAGCCTCAAAGAAGATGGGGCTCACACAGCAAGACCCCAACCACTC[T>A]CACCTTGTAGGCGAGCAGGAATCGCTGGATGGCTCTGCAGATGGTCTTCAGGTCAGTTTC-3'